The following is an entry in ClinVar:

ClinVar aggregate classification (germline): Uncertain significance (1 of 4 stars; one submission).

Conditions:
Peroxisome biogenesis disorder. Identifiers: Orphanet 79189, MedGen C1832200, MONDO:0019234. Disease mechanism: loss of function.

Submission:

Labcorp Genetics (formerly Invitae), Labcorp
Classification: Uncertain significance for Peroxisome biogenesis disorder. Last evaluated: 2025-03-18. Review status: criteria provided, single submitter. Criteria: Invitae Variant Classification Sherloc (09022015). Collection method: clinical testing. Allele origin: germline.
Comment: This sequence change falls in intron 11 of the PEX6 gene. It does not directly change the encoded amino acid sequence of the PEX6 protein. It affects a nucleotide within the consensus splice site. This variant is not present in population databases (gnomAD no frequency). This variant has not been reported in the literature in individuals affected with PEX6-related conditions. Variants that disrupt the consensus splice site are a relatively common cause of aberrant splicing (PMID: 17576681, 9536098). Algorithms developed to predict the effect of sequence changes on RNA splicing suggest that this variant may disrupt the consensus splice site. In summary, the available evidence is currently insufficient to determine the role of this variant in disease. Therefore, it has been classified as a Variant of Uncertain Significance.

Literature cited by the submitters: PubMed 17576681; PubMed 9536098.

NM_000287.4(PEX6):c.2301-3C>G

Gene: PEX6 (peroxisomal biogenesis factor 6; minus strand). Cytogenetic location: 6p21.1.
Variant type: single nucleotide variant.
Coding change: c.2301-3C>G on transcript NM_000287.4 (MANE Select); 3 bases into the intron before coding-DNA position 2301, C replaced by G.
Molecular consequence: intron variant.
Genome position (GRCh38, 1-based): chr6:42,966,108, G>C on the plus strand (C>G on the coding strand, the complement: PEX6 is on the minus strand). VCF-style: chr6-42966108-G-C. GRCh37 (hg19) VCF-style: chr6-42933846-G-C.
Other names: c.2037-3C>G (NM_001316313.2).
Identifiers: ClinVar variation 4711840 (VCV004711840.1).